The following is an entry in ClinVar:

NM_019066.5(MAGEL2):c.3017C>T (p.Thr1006Ile)

Gene: MAGEL2 (MAGE family member L2; minus strand). Cytogenetic location: 15q11.2.
Variant type: single nucleotide variant.
Coding change: c.3017C>T on transcript NM_019066.5 (MANE Select); coding-DNA position 3017, C replaced by T.
Protein change: p.Thr1006Ile; replaces threonine 1006 with isoleucine.
Molecular consequence: missense variant.
Genome position (GRCh38, 1-based): chr15:23,644,726, G>A on the plus strand (C>T on the coding strand, the complement: MAGEL2 is on the minus strand). VCF-style: chr15-23644726-G-A. GRCh37 (hg19) VCF-style: chr15-23889873-G-A.
Other names: short protein forms T1006I.
Identifiers: ClinVar variation 4994370 (VCV004994370.1).
Genomic context (GRCh38, chr15:23,644,726, plus strand): 5'-GCATTTGCCCTCTCATCCAAGGGAGACAAGGGCTGTGCCTCCACCTTGGAATTATCCTGG[G>A]TGGCACTGGATCCCGGAGAGACACTTGCGACCTCAGACACAACTACGGGCAGAGAGCTCC-3'
Protein context (NP_061939.3, residues 996-1016): VASVSPGSSA[Thr1006Ile]QDNSKVEAQP

ClinVar aggregate classification (germline): Uncertain significance (1 of 4 stars; one submission).

Conditions:
MAGEL2-related disorder. Also called: MAGEL2-related condition.

gnomAD v4.1: 2 of 1,613,684 alleles (0.00012%); highest among the groups gnomAD compares: African/African-American, 0.0013%; no homozygotes.

Submission:

PreventionGenetics, part of Exact Sciences
Classification: Uncertain significance for MAGEL2-related condition. Last evaluated: 2025-09-08. Review status: criteria provided, single submitter. Criteria: ACMG Guidelines, 2015. Collection method: clinical testing. Allele origin: germline.
Comment: The MAGEL2 c.3017C>T variant is predicted to result in the amino acid substitution p.Thr1006Ile. To our knowledge, this variant has not been reported in the literature or in a large population database (gnomAD), indicating this variant is rare. At this time, the clinical significance of this variant is uncertain due to the absence of conclusive functional and genetic evidence.